The following is an entry in ClinVar:

ClinVar aggregate classification (germline): Likely benign (1 of 4 stars; one submission).

Conditions:
Intellectual developmental disorder, autosomal dominant 22. Also called: Intellectual disability, autosomal dominant 22. Identifiers: MedGen CN029689, MONDO:0012869, OMIM 612337.

Submission:

Victorian Clinical Genetics Services, Murdoch Childrens Research Institute
Classification: Likely benign for Intellectual developmental disorder, autosomal dominant 22. Last evaluated: 2021-05-06. Review status: criteria provided, single submitter. Criteria: ACMG Guidelines, 2015. Collection method: clinical testing. Allele origin: germline. Inheritance: Autosomal dominant inheritance. Affected: yes.
Comment: Based on the classification scheme VCGS_Germline_v1.3.4, this variant is classified as Likely Benign. Following criteria are met: 0102 - Loss of function is a known mechanism of disease in this gene and is associated with intellectual disability. However, dominant negative is also a likely mechanism. (I) 0107 - This gene is associated with autosomal dominant disease. (I) 0200 - Variant is predicted to result in a missense amino acid change from serine to isoleucine. (I) 0251 - This variant is heterozygous. (I) 0301 - Variant is absent from gnomAD (both v2 and v3). (SP) 0309 - An alternative amino acid change at the same position has been observed in gnomAD (v3) (1 heterozygote, 0 homozygotes). (I) 0502 - Missense variant with conflicting in silico predictions and uninformative conservation. (I) 0600 - Variant is located in the annotated COG5048 domain (NCBI). (I) 0705 - No comparable missense variants have previous evidence for pathogenicity. (I) 0807 - This variant has no previous evidence of pathogenicity. (I) 0905 - No published segregation evidence has been identified for this variant. (I) 1007 - No published functional evidence has been identified for this variant. (I) Legend: (SP) - Supporting pathogenic, (I) - Information, (SB) - Supporting benign

NM_205768.3(ZBTB18):c.926G>T (p.Ser309Ile)

Gene: ZBTB18 (zinc finger and BTB domain containing 18; plus strand). Cytogenetic location: 1q44.
Variant type: single nucleotide variant.
Coding change: c.926G>T on transcript NM_205768.3 (MANE Select); coding-DNA position 926, G replaced by T.
Protein change: p.Ser309Ile; replaces serine 309 with isoleucine.
Molecular consequence: missense variant.
Genome position (GRCh38, 1-based): chr1:244,054,700, G>T. VCF-style: chr1-244054700-G-T. GRCh37 (hg19) VCF-style: chr1-244218002-G-T.
Other names: c.899G>T, p.Ser300Ile (NM_001278196.2, NM_006352.5); short protein forms S300I, S309I.
Identifiers: ClinVar variation 1805605 (VCV001805605.1), dbSNP rs1174606871, ClinGen allele CA345673997.